The following is an entry in ClinVar:

ClinVar aggregate classification (germline): Likely pathogenic (1 of 4 stars; one submission).

Submission:

GeneDx
Classification: Likely pathogenic. Last evaluated: 2024-11-12. Review status: criteria provided, single submitter. Criteria: GeneDx Variant Classification Process June 2021. Collection method: clinical testing. Allele origin: germline. Affected: yes.
Comment: Identified as a de novo variant in a patient with autism from a large cohort study; however, a de novo variant in another gene was also identified in this individual and no further clinical information was provided (PMID: 35982159); Not observed at significant frequency in large population cohorts (gnomAD); In silico analysis supports that this missense variant has a deleterious effect on protein structure/function; This variant is associated with the following publications: (PMID: 33057194, 35982159)

NM_006940.6(SOX5):c.1850T>C (p.Leu617Pro)

Gene: SOX5 (SRY-box transcription factor 5; minus strand). Cytogenetic location: 12p12.1.
Variant type: single nucleotide variant.
Coding change: c.1850T>C on transcript NM_006940.6 (MANE Select); coding-DNA position 1850, T replaced by C.
Protein change: p.Leu617Pro; replaces leucine 617 with proline.
Molecular consequence: missense variant.
Genome position (GRCh38, 1-based): chr12:23,536,591, A>G on the plus strand (T>C on the coding strand, the complement: SOX5 is on the minus strand). VCF-style: chr12-23536591-A-G. GRCh37 (hg19) VCF-style: chr12-23689525-A-G.
Other names: c.1487T>C, p.Leu496Pro (NM_001261414.3); c.1820T>C, p.Leu607Pro (NM_001261415.3); c.1745T>C, p.Leu582Pro (NM_001330785.2); c.1811T>C, p.Leu604Pro (NM_152989.5); c.692T>C, p.Leu231Pro (NM_178010.4); short protein forms L231P, L496P, L582P, L604P, L607P, L617P.
Identifiers: ClinVar variation 3898908 (VCV003898908.1).